The following is an entry in ClinVar:

NM_030662.4(MAP2K2):c.146A>C (p.Gln49Pro)

Gene: MAP2K2 (mitogen-activated protein kinase kinase 2; minus strand). Cytogenetic location: 19p13.3.
Variant type: single nucleotide variant.
Coding change: c.146A>C on transcript NM_030662.4 (MANE Select); coding-DNA position 146, A replaced by C.
Protein change: p.Gln49Pro; replaces glutamine 49 with proline.
Molecular consequence: missense variant.
Genome position (GRCh38, 1-based): chr19:4,117,576, T>G on the plus strand (A>C on the coding strand, the complement: MAP2K2 is on the minus strand). VCF-style: chr19-4117576-T-G. GRCh37 (hg19) VCF-style: chr19-4117574-T-G.
Other names: short protein forms Q49P.
Identifiers: ClinVar variation 3360048 (VCV003360048.1).

ClinVar aggregate classification (germline): Uncertain significance (1 of 4 stars; one submission).

Submission:

GeneDx
Classification: Uncertain significance. Last evaluated: 2023-06-16. Review status: criteria provided, single submitter. Criteria: GeneDx Variant Classification Process June 2021. Collection method: clinical testing. Allele origin: germline. Affected: yes.
Comment: Not observed at significant frequency in large population cohorts (gnomAD); Missense variants in this gene are often considered pathogenic (HGMD); In silico analysis supports that this missense variant does not alter protein structure/function; Has not been previously published as pathogenic or benign to our knowledge; This variant is associated with the following publications: (PMID: 25370473, 22753777, 19156172, 26399658, 22177953, 29493581)